The following is an entry in ClinVar:

NM_001003800.2(BICD2):c.286G>A (p.Gly96Arg)

Gene: BICD2 (BICD cargo adaptor 2; minus strand). Cytogenetic location: 9q22.31.
Variant type: single nucleotide variant.
Coding change: c.286G>A on transcript NM_001003800.2 (MANE Select); coding-DNA position 286, G replaced by A.
Protein change: p.Gly96Arg; replaces glycine 96 with arginine.
Molecular consequence: missense variant.
Genome position (GRCh38, 1-based): chr9:92,729,191, C>T on the plus strand (G>A on the coding strand, the complement: BICD2 is on the minus strand). VCF-style: chr9-92729191-C-T. GRCh37 (hg19) VCF-style: chr9-95491473-C-T.
Other names: c.286G>A, p.Gly96Arg (NM_015250.4); short protein forms G96R.
Identifiers: ClinVar variation 969326 (VCV000969326.11), dbSNP rs749242497, ClinGen allele CA5126850.

ClinVar aggregate classification (germline): Uncertain significance. Review status: criteria provided, multiple submitters, no conflicts (2 of 4 stars). 2 submissions from 2 submitters: Uncertain significance (2). Last evaluated 2022-08-30.

Conditions:
Inborn genetic diseases. Identifiers: MedGen C0950123, MeSH D030342.
Autosomal dominant childhood-onset proximal spinal muscular atrophy with contractures (SMALED2A). Also called: SPINAL MUSCULAR ATROPHY, LOWER EXTREMITY-PREDOMINANT, 2A, CHILDHOOD ONSET, AUTOSOMAL DOMINANT; Spinal muscular atrophy, lower extremity-predominant, 2A, autosomal dominant. Identifiers: Orphanet 363447, Orphanet 363454, MedGen C4747715, MONDO:0014121, OMIM 615290.

Allele frequency attached by ClinVar (database versions not stated): ExAC 0.00001; gnomAD 0.00001; gnomAD exomes 0.00001 and 0.00002.
gnomAD v4.1: 11 of 1,614,118 alleles (0.00068%); highest among the groups gnomAD compares: Admixed American, 0.005%; no homozygotes.

Submissions (2):

Ambry Genetics
Classification: Uncertain significance for Inborn genetic diseases. Last evaluated: 2022-08-30. Review status: criteria provided, single submitter. Criteria: Ambry Variant Classification Scheme 2023. Collection method: clinical testing. Allele origin: germline.

Labcorp Genetics (formerly Invitae), Labcorp
Classification: Uncertain significance for Autosomal dominant childhood-onset proximal spinal muscular atrophy with contractures. Last evaluated: 2022-08-06. Review status: criteria provided, single submitter. Criteria: Invitae Variant Classification Sherloc (09022015). Collection method: clinical testing. Allele origin: germline.
Comment: Advanced modeling of protein sequence and biophysical properties (such as structural, functional, and spatial information, amino acid conservation, physicochemical variation, residue mobility, and thermodynamic stability) performed at Invitae indicates that this missense variant is expected to disrupt BICD2 protein function. ClinVar contains an entry for this variant (Variation ID: 969326). This variant has not been reported in the literature in individuals affected with BICD2-related conditions. This variant is present in population databases (rs749242497, gnomAD 0.009%). This sequence change replaces glycine, which is neutral and non-polar, with arginine, which is basic and polar, at codon 96 of the BICD2 protein (p.Gly96Arg). In summary, the available evidence is currently insufficient to determine the role of this variant in disease. Therefore, it has been classified as a Variant of Uncertain Significance.